The following is an entry in ClinVar:

ClinVar aggregate classification (germline): Benign/Likely benign. Review status: criteria provided, multiple submitters, no conflicts (2 of 4 stars). 3 submissions from 3 submitters: Benign (1); Likely benign (2). Last evaluated 2026-09-01.

Conditions:
Hyperaldosteronism, familial, type IV (HALD4). Also called: FH IV; ALDOSTERONISM, PRIMARY, AND HYPERTENSION. Identifiers: Orphanet 642671, MedGen C4310756, MONDO:0014875, OMIM 617027.
Idiopathic generalized epilepsy. Also called: Generalised epilepsy; EIG. Identifiers: MedGen C0270850, MONDO:0005579, OMIM 600669.

Allele frequency attached by ClinVar (database versions not stated): 1000 Genomes Project 30x 0.00031; 1000 Genomes Project 0.00040; ESP Exome Variant Server 0.00089; gnomAD exomes 0.00096 and 0.00143; TOPMed 0.00102; gnomAD 0.00108 and 0.00113; ExAC 0.00116.
gnomAD v4.1: 2,201 of 1,597,962 alleles (0.14%); highest among the groups gnomAD compares: Non-Finnish European, 0.17%; 2 homozygotes.

Submissions (3):

CeGaT Center for Human Genetics Tuebingen
Classification: Likely benign. Last evaluated: 2026-09-01. Review status: criteria provided, single submitter. Criteria: CeGaT Center For Human Genetics Tuebingen Variant Classification Criteria Version 2. Collection method: clinical testing. Allele origin: germline. Affected: yes. Observed: 2 variant alleles.
Comment: CACNA1H: BP4, BP7

Labcorp Genetics (formerly Invitae), Labcorp
Classification: Benign for Idiopathic generalized epilepsy; Hyperaldosteronism, familial, type IV. Last evaluated: 2026-02-02. Review status: criteria provided, single submitter. Criteria: Invitae Variant Classification Sherloc (09022015). Collection method: clinical testing. Allele origin: germline.

Blueprint Genetics
Classification: Likely benign. Last evaluated: 2024-11-23. Review status: criteria provided, single submitter. Criteria: ACMG Guidelines, 2015. Collection method: clinical testing. Allele origin: germline.

NM_021098.3(CACNA1H):c.3669C>T (p.Ala1223=)

Gene: CACNA1H (calcium voltage-gated channel subunit alpha1 H; plus strand). Cytogenetic location: 16p13.3.
Variant type: single nucleotide variant.
Coding change: c.3669C>T on transcript NM_021098.3 (MANE Select); coding-DNA position 3669, C replaced by T.
Protein change: p.Ala1223=; no amino-acid change (alanine 1223 retained).
Molecular consequence: synonymous variant.
Genome position (GRCh38, 1-based): chr16:1,209,337, C>T. VCF-style: chr16-1209337-C-T. GRCh37 (hg19) VCF-style: chr16-1259337-C-T.
Other names: c.3669C>T, p.Ala1223= (NM_001005407.2).
Identifiers: ClinVar variation 460094 (VCV000460094.20), dbSNP rs59954346, ClinGen allele CA7800843.